The following is an entry in ClinVar:

NM_001267550.2(TTN):c.46344dup (p.Ile15449fs)

Genes: TTN (titin; minus strand), TTN-AS1 (TTN antisense RNA 1; plus strand). Cytogenetic location: 2q31.2.
Variant type: Duplication.
Coding change: c.46344dup on transcript NM_001267550.2 (MANE Select); coding-DNA position 46344, one base duplicated (T; older notation c.46344dupT).
Protein change: p.Ile15449fs; shifts the reading frame from isoleucine 15449.
Molecular consequence: frameshift variant. On other transcripts: non-coding transcript variant (1).
Genome position (GRCh38, 1-based): chr2:178,620,073, A duplicated on the plus strand (T on the coding strand, the reverse complement: TTN is on the minus strand); the first of 2 consecutive A bases (chr2:178,620,073-178,620,074); duplicating either gives the same sequence. VCF-style (leftmost placement, unchanged base first): chr2-178620072-T-TA. GRCh37 (hg19) VCF-style: chr2-179484799-T-TA.
Other names: c.41421dup, p.Ile13808fs (NM_001256850.1); c.19149dup, p.Ile6384fs (NM_003319.4); c.38640dup, p.Ile12881fs (NM_133378.4); c.19524dup, p.Ile6509fs (NM_133432.3); c.19725dup, p.Ile6576fs (NM_133437.4); c.19149dupT (NM_003319.4); short protein forms I13808fs, I6384fs, I6576fs, I15449fs, I12881fs, I6509fs.
Identifiers: ClinVar variation 1782541 (VCV001782541.2), dbSNP rs2470985275, ClinGen allele CA2580064999.

ClinVar aggregate classification (germline): Likely pathogenic (1 of 4 stars; one submission).

Conditions:
Cardiovascular phenotype. Identifiers: MedGen CN230736.

Submission:

Ambry Genetics
Classification: Likely pathogenic for Cardiovascular phenotype. Last evaluated: 2021-03-30. Review status: criteria provided, single submitter. Criteria: Ambry Variant Classification Scheme 2023. Collection method: clinical testing. Allele origin: germline.
Comment: The c.19149dupT variant, located in coding exon 76 of the TTN gene, results from a duplication of T at nucleotide position 19149, causing a translational frameshift with a predicted alternate stop codon (p.I6384Yfs*8). This exon is located in the I-band region of the N2-B isoform of the titin protein and is constitutively expressed in TTN transcripts (percent spliced in or PSI 100%). This alteration is expected to result in loss of function by premature protein truncation or nonsense-mediated mRNA decay. While truncating variants in TTN are present in 1-3% of the general population, truncating variants in the A-band are the most common cause of dilated cardiomyopathy (DCM) (Herman DS et al. N. Engl. J. Med., 2012 Feb;366:619-28; Roberts AM et al. Sci Transl Med, 2015 Jan;7:270ra6). TTN truncating variants encoded in constitutive exons (PSI >90%) have been found to be significantly associated with DCM regardless of their position in titin (Schafer S et al. Nat. Genet., 2017 01;49:46-53). As such, this alteration is classified as likely pathogenic.